The following is an entry in ClinVar:

NM_177965.4(CFAP418):c.530G>A (p.Arg177Gln)

Gene: CFAP418 (cilia and flagella associated protein 418; minus strand). Cytogenetic location: 8q22.1.
Variant type: single nucleotide variant.
Coding change: c.530G>A on transcript NM_177965.4 (MANE Select); coding-DNA position 530, G replaced by A.
Protein change: p.Arg177Gln; replaces arginine 177 with glutamine.
Molecular consequence: missense variant.
Genome position (GRCh38, 1-based): chr8:95,247,711, C>T on the plus strand (G>A on the coding strand, the complement: CFAP418 is on the minus strand). VCF-style: chr8-95247711-C-T. GRCh37 (hg19) VCF-style: chr8-96259939-C-T.
Other names: c.530G>A (NM_177965.3); c.434G>A, p.Arg145Gln (NM_001363260.1); short protein forms R145Q, R177Q.
Identifiers: ClinVar variation 1681117 (VCV001681117.11), dbSNP rs748807525, ClinGen allele CA4815117.
Genomic context (GRCh38, chr8:95,247,711, plus strand): 5'-TCTGTCTGAAGGTCAGTCACTTCTTCAATAGTTCTCCAGCTACACTGGCAGGCATATGCC[C>T]GTGTTCCTTTCTTCTTTATCAACTTTGCTTTTAATTTGTGAAATTCTGGCATGTTGTTCC-3'
Protein context (NP_808880.1, residues 167-187): KAKLIKKKGT[Arg177Gln]AYACQCSWRT

ClinVar aggregate classification (germline): Uncertain significance. Review status: criteria provided, multiple submitters, no conflicts (2 of 4 stars). 4 submissions from 4 submitters: Uncertain significance (4). Last evaluated 2025-08-18.

Conditions:
CFAP418-related disorder. Also called: CFAP418-related condition.
Retinitis pigmentosa (RP). Identifiers: Orphanet 791, MedGen C0035334, MeSH D012174, MONDO:0019200, OMIM 268000. Inheritance: Autosomal dominant, autosomal recessive and X linked inheritance.
Bardet-biedl syndrome 21. Identifiers: MedGen C4319932, MONDO:0044308, OMIM 617406.
Cone-rod dystrophy 16 (CORD16). Identifiers: MedGen C3281045, MONDO:0013786, OMIM 614500.

Allele frequency attached by ClinVar (database versions not stated): TOPMed 0.00001; ExAC 0.00002; gnomAD exomes 0.00002.
gnomAD v4.1: 20 of 1,613,626 alleles (0.0012%); highest among the groups gnomAD compares: Middle Eastern, 0.017%; no homozygotes.

Submissions (4):

PreventionGenetics, part of Exact Sciences
Classification: Uncertain significance for CFAP418-related condition. Last evaluated: 2025-08-18. Review status: criteria provided, single submitter. Criteria: ACMG Guidelines, 2015. Collection method: clinical testing. Allele origin: germline.
Comment: The CFAP418 c.530G>A variant is predicted to result in the amino acid substitution p.Arg177Gln. To our knowledge, this variant has not been reported in the literature. An alternate substitution of this amino acid (p.Arg177Trp) has been reported in the literature many time in individuals with retinal dystrophies (for example Estrada-Cuzcano et al. 2012. PubMed ID: 22177090). This variant is reported in 0.0044% of alleles in individuals of European (Non-Finnish) descent in gnomAD. At this time, the clinical significance of this variant is uncertain due to the absence of conclusive functional and genetic evidence.

Labcorp Genetics (formerly Invitae), Labcorp
Classification: Uncertain significance. Last evaluated: 2025-07-27. Review status: criteria provided, single submitter. Criteria: Invitae Variant Classification Sherloc (09022015). Collection method: clinical testing. Allele origin: germline.
Comment: This sequence change replaces arginine, which is basic and polar, with glutamine, which is neutral and polar, at codon 177 of the C8orf37 protein (p.Arg177Gln). This variant is present in population databases (rs748807525, gnomAD 0.004%). This variant has not been reported in the literature in individuals affected with C8orf37-related conditions. ClinVar contains an entry for this variant (Variation ID: 1681117). An algorithm developed to predict the effect of missense changes on protein structure and function (PolyPhen-2) suggests that this variant is likely to be disruptive. This variant disrupts the p.Arg177 amino acid residue in C8orf37. Other variant(s) that disrupt this residue have been determined to be pathogenic (PMID: 22177090, 26854863, 30029497). This suggests that this residue is clinically significant, and that variants that disrupt this residue are likely to be disease-causing. In summary, the available evidence is currently insufficient to determine the role of this variant in disease. Therefore, it has been classified as a Variant of Uncertain Significance.

Blueprint Genetics
Classification: Uncertain significance. Last evaluated: 2023-05-02. Review status: criteria provided, single submitter. Criteria: ACMG Guidelines, 2015. Collection method: clinical testing. Allele origin: germline.

Fulgent Genetics
Classification: Uncertain significance for Retinitis pigmentosa; Cone-rod dystrophy 16; Bardet-biedl syndrome 21. Last evaluated: 2022-04-18. Review status: criteria provided, single submitter. Criteria: ACMG Guidelines, 2015. Collection method: clinical testing. Allele origin: unknown.

Literature cited by the submitters: PubMed 22177090 (cited by Labcorp Genetics (formerly Invitae), Labcorp); PubMed 26854863 (cited by Labcorp Genetics (formerly Invitae), Labcorp); PubMed 30029497 (cited by Labcorp Genetics (formerly Invitae), Labcorp).